The following is an entry in ClinVar:

ClinVar aggregate classification (germline): Uncertain significance (1 of 4 stars; one submission).

Conditions:
Hereditary cancer-predisposing syndrome. Also called: Neoplastic Syndromes, Hereditary; Tumor predisposition; Hereditary Cancer Syndrome; Hereditary neoplastic syndrome. Identifiers: Orphanet 140162, MedGen C0027672, MeSH D009386, MONDO:0015356.

Submission:

Ambry Genetics
Classification: Uncertain significance for Hereditary cancer-predisposing syndrome. Last evaluated: 2025-10-02. Review status: criteria provided, single submitter. Criteria: Ambry Variant Classification Scheme 2023. Collection method: clinical testing. Allele origin: germline.
Comment: The c.3990-5A>G intronic variant results from an A to G substitution 5 nucleotides upstream from coding exon 20 in the MET gene. This nucleotide position is not well conserved in available vertebrate species. In silico splice site analysis predicts that this alteration will not have any significant effect on splicing. Based on the available evidence, the clinical significance of this variant remains unclear.

NM_000245.4(MET):c.3936-5A>G

Gene: MET (MET proto-oncogene, receptor tyrosine kinase; plus strand). Cytogenetic location: 7q31.2.
Variant type: single nucleotide variant.
Coding change: c.3936-5A>G on transcript NM_000245.4 (MANE Select); 5 bases into the intron before coding-DNA position 3936, A replaced by G.
Molecular consequence: intron variant.
Genome position (GRCh38, 1-based): chr7:116,795,882, A>G. VCF-style: chr7-116795882-A-G. GRCh37 (hg19) VCF-style: chr7-116435936-A-G.
Other names: c.3990-5A>G (NM_001127500.3); c.2646-5A>G (NM_001324402.2).
Identifiers: ClinVar variation 4647091 (VCV004647091.1).
Genomic context (GRCh38, chr7:116,795,882, plus strand): 5'-TTTACTTTTACAGAAATGCCTGCCTTCAAAGGGTCTCTTACAGCATGTCTTTCTTTTTGG[A>G]ACAGATATGAAGTAATGCTAAAATGCTGGCACCCTAAAGCCGAAATGCGCCCATCCTTTT-3'